The following is an entry in ClinVar:

ClinVar aggregate classification (germline): Benign (1 of 4 stars; one submission).

gnomAD v4.1: 1,735 of 170,832 alleles (1%); highest among the groups gnomAD compares: Non-Finnish European, 1.5%; 14 homozygotes.

Submission:

CeGaT Center for Human Genetics Tuebingen
Classification: Benign. Last evaluated: 2025-06-01. Review status: criteria provided, single submitter. Criteria: CeGaT Center For Human Genetics Tuebingen Variant Classification Criteria Version 2. Collection method: clinical testing. Allele origin: germline. Affected: yes. Observed: 8 variant alleles.
Comment: DPP6: BS1, BS2

NM_130797.4(DPP6):c.627+20255G>T

Gene: DPP6 (dipeptidyl peptidase like 6; plus strand). Cytogenetic location: 7q36.2.
Variant type: single nucleotide variant.
Coding change: c.627+20255G>T on transcript NM_130797.4 (MANE Select); 20255 bases into the intron after coding-DNA position 627, G replaced by T.
Molecular consequence: intron variant. On other transcripts: missense variant (1).
Genome position (GRCh38, 1-based): chr7:154,587,171, G>T. VCF-style: chr7-154587171-G-T. GRCh37 (hg19) VCF-style: chr7-154378881-G-T.
Other names: c.447G>T, p.Gln149His (NM_001364502.2); c.444+20255G>T (NM_001364500.2, NM_001364499.2, NM_001364497.2 and 1 more transcripts); c.435+20255G>T (NM_001364501.2, NM_001039350.3); c.628-479G>T (NM_001290253.2); c.441+20255G>T (NM_001936.5, NM_001290252.2); short protein forms Q149H.
Identifiers: ClinVar variation 3341917 (VCV003341917.16).